The following is an entry in ClinVar:

ClinVar aggregate classification (germline): Pathogenic. Review status: reviewed by expert panel (3 of 4 stars). 3 submissions from 3 submitters: Pathogenic (1). 2 of the submissions do not count toward it. Last evaluated 2017-12-15.

Conditions:
Familial cancer of breast. Also called: hereditary breast carcinoma; BREAST CANCER, FAMILIAL; Hereditary breast cancer. Identifiers: Orphanet 227535, MedGen C0346153, MONDO:0016419, OMIM 114480. Disease mechanism: loss of function.
Hereditary breast ovarian cancer syndrome. Also called: BRCA1- and BRCA2-Associated Hereditary Breast and Ovarian Cancer; Hereditary breast and ovarian cancer syndrome; Hereditary breast and ovarian cancer syndrome (HBOC); Breast and ovarian cancer; Hereditary breast and/or ovarian cancer syndrome; Hereditary breast and ovarian cancer. Identifiers: Orphanet 145, MedGen C0677776, MeSH D061325, MONDO:0003582. Disease mechanism: loss of function.
Breast-ovarian cancer, familial, susceptibility to, 1 (BROVCA1). Also called: BRCA1 Hereditary Breast and Ovarian Cancer; OVARIAN CANCER, SUSCEPTIBILITY TO. Identifiers: Orphanet 145, MedGen C2676676, MONDO:0011450, OMIM 604370. Disease mechanism: loss of function.

Submissions (3):

Evidence-based Network for the Interpretation of Germline Mutant Alleles (ENIGMA)
Classification: Pathogenic for Breast-ovarian cancer, familial, susceptibility to, 1. Last evaluated: 2017-12-15. Review status: reviewed by expert panel. Criteria: ENIGMA BRCA1/2 Classification Criteria (2017-06-29). Collection method: curation. Allele origin: germline. Study: ENIGMA.
Comment: Variant allele predicted to encode a truncated non-functional protein.

Labcorp Genetics (formerly Invitae), Labcorp
Classification: Pathogenic for Hereditary breast ovarian cancer syndrome. Last evaluated: 2024-12-25. Review status: criteria provided, single submitter. Criteria: Invitae Variant Classification Sherloc (09022015). Collection method: clinical testing. Allele origin: germline. Not counted in ClinVar's aggregate classification.
Comment: This sequence change creates a premature translational stop signal (p.Ser1328Phefs*2) in the BRCA1 gene. It is expected to result in an absent or disrupted protein product. Loss-of-function variants in BRCA1 are known to be pathogenic (PMID: 20104584). This variant is not present in population databases (gnomAD no frequency). This premature translational stop signal has been observed in individual(s) with breast and/or ovarian cancer (PMID: 22798144). ClinVar contains an entry for this variant (Variation ID: 55069). Algorithms developed to predict the effect of sequence changes on RNA splicing suggest that this variant may disrupt the consensus splice site. For these reasons, this variant has been classified as Pathogenic.

ClinVar Staff, National Center for Biotechnology Information (NCBI)
No classification provided. Condition: Familial cancer of breast. Review status: no classification provided. Collection method: literature only. Allele origin: germline. Affected: yes. Not counted in ClinVar's aggregate classification.

Literature cited by the submitters: PubMed 20104584 (cited by Labcorp Genetics (formerly Invitae), Labcorp); PubMed 22798144 (cited by Labcorp Genetics (formerly Invitae), Labcorp and ClinVar Staff, National Center for Biotechnology Information (NCBI)).

NM_007294.4(BRCA1):c.3982dup (p.Ser1328fs)

Genes: BRCA1 (BRCA1 DNA repair associated; minus strand), LOC126862571 (BRD4-independent group 4 enhancer GRCh37_chr17:41243136-41244335; plus strand). Cytogenetic location: 17q21.31.
Variant type: Duplication.
Coding change: c.3982dup on transcript NM_007294.4 (MANE Select); coding-DNA position 3982, one base duplicated (T; older notation c.3982dupT).
Protein change: p.Ser1328fs; shifts the reading frame from serine 1328.
Molecular consequence: frameshift variant. On other transcripts: intron variant (135).
Genome position (GRCh38, 1-based): chr17:43,091,549, A duplicated on the plus strand (T on the coding strand, the reverse complement: BRCA1 is on the minus strand). VCF-style (leftmost placement, unchanged base first): chr17-43091548-G-GA. GRCh37 (hg19) VCF-style: chr17-41243565-G-GA.
Other names: c.3841dup, p.Ser1281fs (NM_001407850.1, NM_001407851.1, NM_001407852.1 and 29 more transcripts); c.3769dup, p.Ser1257fs (NM_001407853.1, NM_001407894.1, NM_001407895.1 and 9 more transcripts); c.3982dup, p.Ser1328fs (NM_001407854.1, NM_001407858.1, NM_001407859.1 and 30 more transcripts); c.3979dup, p.Ser1327fs (NM_001407860.1, NM_001407861.1, NM_001407587.1 and 22 more transcripts); c.3781dup, p.Ser1261fs (NM_001407862.1); c.3859dup, p.Ser1287fs (NM_001407863.1, NM_001407919.1, NM_001407937.1 and 19 more transcripts); c.3778dup, p.Ser1260fs (NM_001407874.1, NM_001407875.1); c.3772dup, p.Ser1258fs (NM_001407879.1, NM_001407881.1, NM_001407882.1 and 13 more transcripts); and 42 more; short protein forms S1328fs, S1281fs, S1160fs, S1217fs, S1280fs, S1286fs, S460fs, S1200fs.
Identifiers: ClinVar variation 55069 (VCV000055069.9), dbSNP rs397509124, ClinGen allele CA327904.